The following is an entry in ClinVar:

ClinVar aggregate classification (germline): Conflicting classifications of pathogenicity. Review status: criteria provided, conflicting classifications (1 of 4 stars). 4 submissions from 4 submitters: Uncertain significance (3); Likely benign (1). Last evaluated 2026-07-23.

Conditions:
Inborn genetic diseases. Identifiers: MedGen C0950123, MeSH D030342.
RAI1-related disorder. Also called: RAI1-related condition.

Allele frequency attached by ClinVar (database versions not stated): ExAC 0.00001; gnomAD exomes 0.00001 and 0.00002; gnomAD 0.00002; TOPMed 0.00002.
gnomAD v4.1: 20 of 1,611,446 alleles (0.0012%); highest among the groups gnomAD compares: African/African-American, 0.004%; no homozygotes.

Submissions (4):

PreventionGenetics, part of Exact Sciences
Classification: Uncertain significance for RAI1-related condition. Last evaluated: 2026-07-23. Review status: criteria provided, single submitter. Criteria: ACMG Guidelines, 2015. Collection method: clinical testing. Allele origin: germline.
Comment: The RAI1 c.5275G>A variant is predicted to result in the amino acid substitution p.Gly1759Ser. To our knowledge, this variant has not been reported in the literature. This variant is reported in 0.0069% of alleles in individuals of African descent in gnomAD. Although we suspect that this variant may be benign, at this time, the clinical significance of this variant is uncertain due to the absence of conclusive functional and genetic evidence.

Labcorp Genetics (formerly Invitae), Labcorp
Classification: Uncertain significance. Last evaluated: 2023-02-17. Review status: criteria provided, single submitter. Criteria: Invitae Variant Classification Sherloc (09022015). Collection method: clinical testing. Allele origin: germline.
Comment: Advanced modeling of protein sequence and biophysical properties (such as structural, functional, and spatial information, amino acid conservation, physicochemical variation, residue mobility, and thermodynamic stability) performed at Invitae indicates that this missense variant is not expected to disrupt RAI1 protein function. In summary, the available evidence is currently insufficient to determine the role of this variant in disease. Therefore, it has been classified as a Variant of Uncertain Significance. ClinVar contains an entry for this variant (Variation ID: 1699556). This variant has not been reported in the literature in individuals affected with RAI1-related conditions. This variant is present in population databases (rs777108697, gnomAD 0.007%). This sequence change replaces glycine, which is neutral and non-polar, with serine, which is neutral and polar, at codon 1759 of the RAI1 protein (p.Gly1759Ser).

GeneDx
Classification: Uncertain significance. Last evaluated: 2022-02-01. Review status: criteria provided, single submitter. Criteria: GeneDx Variant Classification Process June 2021. Collection method: clinical testing. Allele origin: germline. Affected: yes.
Comment: In silico analysis supports that this missense variant does not alter protein structure/function; Has not been previously published as pathogenic or benign to our knowledge

Ambry Genetics
Classification: Likely benign for Inborn genetic diseases. Last evaluated: 2020-03-12. Review status: criteria provided, single submitter. Criteria: Ambry Variant Classification Scheme 2023. Collection method: clinical testing. Allele origin: germline.

NM_030665.4(RAI1):c.5275G>A (p.Gly1759Ser)

Gene: RAI1 (retinoic acid induced 1; plus strand). Cytogenetic location: 17p11.2.
Variant type: single nucleotide variant.
Coding change: c.5275G>A on transcript NM_030665.4 (MANE Select); coding-DNA position 5275, G replaced by A.
Protein change: p.Gly1759Ser; replaces glycine 1759 with serine.
Molecular consequence: missense variant.
Genome position (GRCh38, 1-based): chr17:17,798,223, G>A. VCF-style: chr17-17798223-G-A. GRCh37 (hg19) VCF-style: chr17-17701537-G-A.
Other names: short protein forms G1759S.
Identifiers: ClinVar variation 1699556 (VCV001699556.8), dbSNP rs777108697, ClinGen allele CA8419128.
Genomic context (GRCh38, chr17:17,798,223, plus strand): 5'-ACACTCAAAGGTCCCGAGTGTGCAGCTGCCGCCACTGCCGGGAAGCCCCCCAGGCCTGAC[G>A]GCCCAGCTGACCCGGCCAAGCAGGGCCCACTGCGCACCAGTGCCCGGGGCCTGTCCCGGA-3'
Protein context (NP_109590.3, residues 1749-1769): ATAGKPPRPD[Gly1759Ser]PADPAKQGPL